The following is an entry in ClinVar:

ClinVar aggregate classification (germline): Uncertain significance (1 of 4 stars; one submission).

gnomAD v4.1: 8 of 1,210,698 alleles (0.00066%); highest among the groups gnomAD compares: South Asian, 0.0018%; no homozygotes.

Submission:

GeneDx
Classification: Uncertain significance. Last evaluated: 2023-12-13. Review status: criteria provided, single submitter. Criteria: GeneDx Variant Classification Process June 2021. Collection method: clinical testing. Allele origin: germline. Affected: yes.
Comment: Not observed at significant frequency in large population cohorts (gnomAD); In silico analysis supports that this missense variant does not alter protein structure/function; Has not been previously published as pathogenic or benign to our knowledge

NM_201599.3(ZMYM3):c.355C>G (p.Gln119Glu)

Gene: ZMYM3 (zinc finger MYM-type containing 3; minus strand). Cytogenetic location: Xq13.1.
Variant type: single nucleotide variant.
Coding change: c.355C>G on transcript NM_201599.3 (MANE Select); coding-DNA position 355, C replaced by G.
Protein change: p.Gln119Glu; replaces glutamine 119 with glutamic acid.
Molecular consequence: missense variant.
Genome position (GRCh38, 1-based): chrX:71,252,901, G>C on the plus strand (C>G on the coding strand, the complement: ZMYM3 is on the minus strand). VCF-style: chrX-71252901-G-C. GRCh37 (hg19) VCF-style: chrX-70472751-G-C.
Other names: c.355C>G, p.Gln119Glu (NM_001171162.1, NM_001171163.1, NM_005096.3); short protein forms Q119E.
Identifiers: ClinVar variation 3365409 (VCV003365409.1).